The following is an entry in ClinVar:

NM_000368.5(TSC1):c.1488T>C (p.Pro496=)

Gene: TSC1 (TSC complex subunit 1; minus strand). Cytogenetic location: 9q34.13.
Variant type: single nucleotide variant.
Coding change: c.1488T>C on transcript NM_000368.5 (MANE Select); coding-DNA position 1488, T replaced by C.
Protein change: p.Pro496=; no amino-acid change (proline 496 retained).
Molecular consequence: synonymous variant.
Genome position (GRCh38, 1-based): chr9:132,906,090, A>G on the plus strand (T>C on the coding strand, the complement: TSC1 is on the minus strand). VCF-style: chr9-132906090-A-G. GRCh37 (hg19) VCF-style: chr9-135781477-A-G.
Other names: c.1485T>C, p.Pro495= (NM_001162426.2); c.1335T>C, p.Pro445= (NM_001162427.2); c.1125T>C, p.Pro375= (NM_001362177.2); c.1488T>C (NM_000368.4).
Identifiers: ClinVar variation 1152896 (VCV001152896.11), dbSNP rs2131847678, ClinGen allele CA467591194.

ClinVar aggregate classification (germline): Benign/Likely benign. Review status: criteria provided, multiple submitters, no conflicts (2 of 4 stars). 3 submissions from 3 submitters: Benign (1); Likely benign (2). Last evaluated 2025-05-31.

Conditions:
Tuberous sclerosis 1 (TSC1). Identifiers: Orphanet 805, MedGen C1854465, MONDO:0008612, OMIM 191100.
Hereditary cancer-predisposing syndrome. Also called: Hereditary Cancer Syndrome; Hereditary neoplastic syndrome; Neoplastic Syndromes, Hereditary; Tumor predisposition. Identifiers: Orphanet 140162, MedGen C0027672, MeSH D009386, MONDO:0015356.

Submissions (3):

Ambry Genetics
Classification: Likely benign for Hereditary cancer-predisposing syndrome. Last evaluated: 2025-05-31. Review status: criteria provided, single submitter. Criteria: Ambry Variant Classification Scheme 2023. Collection method: clinical testing. Allele origin: germline.

Myriad Genetics, Inc.
Classification: Benign for Tuberous sclerosis 1. Last evaluated: 2025-04-09. Review status: criteria provided, single submitter. Criteria: Myriad Autosomal Dominant, Autosomal Recessive and X-Linked Classification Criteria (2023). Collection method: clinical testing. Allele origin: unknown.
Comment: This variant is considered benign. This variant is a silent/synonymous amino acid change and it is not expected to impact splicing.

Labcorp Genetics (formerly Invitae), Labcorp
Classification: Likely benign for Tuberous sclerosis 1. Last evaluated: 2019-04-03. Review status: criteria provided, single submitter. Criteria: Invitae Variant Classification Sherloc (09022015). Collection method: clinical testing. Allele origin: germline.